The following is an entry in ClinVar:

ClinVar aggregate classification (germline): Uncertain significance (0 of 4 stars; one submission).

Conditions:
DYRK1B-related disorder. Also called: DYRK1B-related condition.

Allele frequency attached by ClinVar (database versions not stated): TOPMed below 0.00001; gnomAD 0.00001.

Submission:

PreventionGenetics, part of Exact Sciences
Classification: Uncertain significance for DYRK1B-related condition. Last evaluated: 2023-12-18. Review status: no assertion criteria provided. Collection method: clinical testing. Allele origin: germline.
Comment: The DYRK1B c.111C>A variant is predicted to result in the amino acid substitution p.Phe37Leu. To our knowledge, this variant has not been reported in the literature. This variant is reported in 0.012% of alleles in individuals of African descent in gnomAD. Although we suspect that this variant may be benign, at this time, the clinical significance of this variant is uncertain due to the absence of conclusive functional and genetic evidence.

NM_004714.3(DYRK1B):c.111C>A (p.Phe37Leu)

Gene: DYRK1B (dual specificity tyrosine phosphorylation regulated kinase 1B; minus strand). Cytogenetic location: 19q13.2.
Variant type: single nucleotide variant.
Coding change: c.111C>A on transcript NM_004714.3 (MANE Select); coding-DNA position 111, C replaced by A.
Protein change: p.Phe37Leu; replaces phenylalanine 37 with leucine.
Molecular consequence: missense variant.
Genome position (GRCh38, 1-based): chr19:39,830,736, G>T on the plus strand (C>A on the coding strand, the complement: DYRK1B is on the minus strand). VCF-style: chr19-39830736-G-T. GRCh37 (hg19) VCF-style: chr19-40321376-G-T.
Other names: c.111C>A, p.Phe37Leu (NM_006483.3, NM_006484.3); short protein forms F37L.
Identifiers: ClinVar variation 3061705 (VCV003061705.2), dbSNP rs1162340849, ClinGen allele CA405829960.